The following is an entry in ClinVar:

ClinVar aggregate classification (germline): Likely benign (1 of 4 stars; one submission).

Allele frequency attached by ClinVar (database versions not stated): 1000 Genomes Project 30x 0.00593; 1000 Genomes Project 0.00639; gnomAD 0.01528 and 0.01569; TOPMed 0.01754.
gnomAD v4.1: 2,360 of 152,344 alleles (1.5%); highest among the groups gnomAD compares: Middle Eastern, 5.4%; 44 homozygotes.

Submission:

GeneDx
Classification: Likely benign. Last evaluated: 2018-06-19. Review status: criteria provided, single submitter. Criteria: GeneDx Variant Classification (06012015). Collection method: clinical testing. Allele origin: germline. Affected: yes.
Comment: This variant is considered likely benign or benign based on one or more of the following criteria: it is a conservative change, it occurs at a poorly conserved position in the protein, it is predicted to be benign by multiple in silico algorithms, and/or has population frequency not consistent with disease.

NM_017617.5(NOTCH1):c.5019-286G>A

Gene: NOTCH1 (notch receptor 1; minus strand). Cytogenetic location: 9q34.3.
Variant type: single nucleotide variant.
Coding change: c.5019-286G>A on transcript NM_017617.5 (MANE Select); 286 bases into the intron before coding-DNA position 5019, G replaced by A.
Molecular consequence: intron variant.
Genome position (GRCh38, 1-based): chr9:136,503,616, C>T on the plus strand (G>A on the coding strand, the complement: NOTCH1 is on the minus strand). VCF-style: chr9-136503616-C-T. GRCh37 (hg19) VCF-style: chr9-139398068-C-T.
Identifiers: ClinVar variation 680945 (VCV000680945.1), dbSNP rs141695813, ClinGen allele CA201643043.
Genomic context (GRCh38, chr9:136,503,616, plus strand): 5'-ACCAACGCGCTCTCCCTGGCCCGCCCTGACACCCTCTCTGGCTCCTGCTGGTGCCACAGA[C>T]ACGTTTCCTCATCTCAGGACAGAGTATGTGCCAGGAGCCCAGTCCTCCCCCAGGAGCCAT-3'